The following is an entry in ClinVar:

ClinVar aggregate classification (germline): Pathogenic (1 of 4 stars; one submission).

Conditions:
Tyrosinase-positive oculocutaneous albinism (OCA2). Also called: ALBINISM II; Albinism, oculocutaneous, type II; Oculocutaneous albinism type 2. Identifiers: Orphanet 79432, MedGen C0268495, MONDO:0008746, OMIM 203200.

Submission:

Myriad Genetics, Inc.
Classification: Pathogenic for Tyrosinase-positive oculocutaneous albinism. Last evaluated: 2026-04-03. Review status: criteria provided, single submitter. Criteria: Myriad Autosomal Dominant, Autosomal Recessive and X-Linked Classification Criteria (2023). Collection method: clinical testing. Allele origin: unknown.
Comment: NM_000275.2(OCA2):c.33C>G(Y11*) is a nonsense variant classified as pathogenic in the context of oculocutaneous albinism, OCA2-related. Y11* has not been observed in cases with relevant disease. Relevant functional assessments of this variant are not available in the literature. Y11* has not been observed in referenced population frequency databases. In summary, NM_000275.2(OCA2):c.33C>G(Y11*) is a nonsense variant in a gene where loss of function is a known mechanism of disease and is predicted to disrupt protein function. Please note: this variant was assessed in the context of healthy population screening.

NM_000275.3(OCA2):c.33C>G (p.Tyr11Ter)

Gene: OCA2 (OCA2 melanosomal transmembrane protein; minus strand). Cytogenetic location: 15q13.1.
Variant type: single nucleotide variant.
Coding change: c.33C>G on transcript NM_000275.3 (MANE Select); coding-DNA position 33, C replaced by G.
Protein change: p.Tyr11Ter; replaces tyrosine 11 with a stop codon.
Molecular consequence: nonsense.
Genome position (GRCh38, 1-based): chr15:28,081,842, G>C on the plus strand (C>G on the coding strand, the complement: OCA2 is on the minus strand). VCF-style: chr15-28081842-G-C. GRCh37 (hg19) VCF-style: chr15-28326988-G-C.
Other names: c.33C>G, p.Tyr11Ter (NM_001300984.2); short protein forms Y11*.
Identifiers: ClinVar variation 5004581 (VCV005004581.1).